The following is an entry in ClinVar:

NM_001127898.4(CLCN5):c.383G>T (p.Trp128Leu)

Gene: CLCN5 (chloride voltage-gated channel 5; plus strand). Cytogenetic location: Xp11.23.
Variant type: single nucleotide variant.
Coding change: c.383G>T on transcript NM_001127898.4 (MANE Select); coding-DNA position 383, G replaced by T.
Protein change: p.Trp128Leu; replaces tryptophan 128 with leucine.
Molecular consequence: missense variant. On other transcripts: non-coding transcript variant (1).
Genome position (GRCh38, 1-based): chrX:50,072,556, G>T. VCF-style: chrX-50072556-G-T. GRCh37 (hg19) VCF-style: chrX-49837211-G-T.
Other names: c.173G>T, p.Trp58Leu (NM_000084.5); c.383G>T, p.Trp128Leu (NM_001127899.4); c.233G>T, p.Trp78Leu (NM_001282163.2); c.395G>T, p.Trp132Leu (NM_001440756.1, NM_001440757.1); short protein forms W128L, W132L, W58L, W78L.
Identifiers: ClinVar variation 4688524 (VCV004688524.1).
Genomic context (GRCh38, chrX:50,072,556, plus strand): 5'-ATAAAAGCAAAGAGTCAACATGGGCCTTAATTCACAGTGTGAGTGATGCTTTTTCCGGCT[G>T]GTTGTTGATGCTCCTTATTGGGCTTTTATCAGGTATGGTAAACTGTTAGTTTTCAAAACA-3'
Protein context (NP_001121370.1, residues 118-138): IHSVSDAFSG[Trp128Leu]LLMLLIGLLS

ClinVar aggregate classification (germline): Uncertain significance (1 of 4 stars; one submission).

Submission:

Women's Health and Genetics/Laboratory Corporation of America, LabCorp
Classification: Uncertain significance. Last evaluated: 2025-12-05. Review status: criteria provided, single submitter. Criteria: LabCorp Variant Classification Summary - May 2015. Collection method: clinical testing. Allele origin: germline.
Comment: Variant summary: CLCN5 c.173G>T (p.Trp58Leu) results in a non-conservative amino acid change in the encoded protein sequence. Algorithms developed to predict the effect of missense changes on protein structure and function all suggest that this variant is likely to be disruptive. The variant was absent in 183422 control chromosomes. c.173G>T has been observed in individuals affected with Dent Disease (Tosetto_2009, Ragate_2024). These data indicate that the variant may be associated with disease. To our knowledge, no experimental evidence demonstrating an impact on protein function has been reported. The following publications have been ascertained in the context of this evaluation (PMID: 38310177, 19673950). No submitters have cited clinical-significance assessments for this variant to ClinVar. Based on the evidence outlined above, the variant was classified as VUS-possibly pathogenic.

Literature cited by the submitters: PubMed 38310177; PubMed 19673950.